The following is an entry in ClinVar:

NC_000006.11:g.(?_80202248)_(80203487_?)del

Gene: LCA5 (lebercilin LCA5; minus strand). Cytogenetic location: 6q14.1.
Variant type: Deletion.
Identifiers: ClinVar variation 3246249 (VCV003246249.1).

ClinVar aggregate classification (germline): Pathogenic (1 of 4 stars; one submission).

Submission:

Labcorp Genetics (formerly Invitae), Labcorp
Classification: Pathogenic. Last evaluated: 2023-10-07. Review status: criteria provided, single submitter. Criteria: Invitae Variant Classification Sherloc (09022015). Collection method: clinical testing. Allele origin: unknown.
Comment: This variant is a gross deletion of the genomic region encompassing exon(s) 5-6 of the LCA5 gene. This deletion is out-of-frame, and is expected to create a premature termination codon and result in an absent or disrupted protein product. Loss-of-function variants in LCA5 are known to be pathogenic (PMID: 17546029, 23946133). This variant has not been reported in the literature in individuals affected with LCA5-related conditions. For these reasons, this variant has been classified as Pathogenic.

Literature cited by the submitters: PubMed 17546029; PubMed 23946133.